The following is an entry in ClinVar:

NM_138615.3(DHX30):c.1606A>G (p.Thr536Ala)

Gene: DHX30 (DExH-box helicase 30; plus strand). Cytogenetic location: 3p21.31.
Variant type: single nucleotide variant.
Coding change: c.1606A>G on transcript NM_138615.3 (MANE Select); coding-DNA position 1606, A replaced by G.
Protein change: p.Thr536Ala; replaces threonine 536 with alanine.
Molecular consequence: missense variant.
Genome position (GRCh38, 1-based): chr3:47,846,678, A>G. VCF-style: chr3-47846678-A-G. GRCh37 (hg19) VCF-style: chr3-47888168-A-G.
Other names: c.1522A>G, p.Thr508Ala (NM_001330990.2); c.1489A>G, p.Thr497Ala (NM_014966.4); short protein forms T497A, T508A, T536A.
Identifiers: ClinVar variation 4072815 (VCV004072815.1).
Genomic context (GRCh38, chr3:47,846,678, plus strand): 5'-GGCTTCCAGGTGCGGTTGGAAAGTAAGCCCCCATCCCGAGGCGGGGCCCTGCTCTTCTGC[A>G]CTGTGGGTATCCTGCTGCGTAAGCTGCAGAGCAACCCCAGCCTGGAGGGCGTGAGCCACG-3'
Protein context (NP_619520.1, residues 526-546): PSRGGALLFC[Thr536Ala]VGILLRKLQS

ClinVar aggregate classification (germline): Uncertain significance (1 of 4 stars; one submission).

Submission:

GeneDx
Classification: Uncertain significance. Last evaluated: 2025-02-03. Review status: criteria provided, single submitter. Criteria: GeneDx Variant Classification Process June 2021. Collection method: clinical testing. Allele origin: germline. Affected: yes.
Comment: Not observed at significant frequency in large population cohorts (gnomAD); In silico analysis supports that this missense variant has a deleterious effect on protein structure/function; Has not been previously published as pathogenic or benign to our knowledge